The following is an entry in ClinVar:

ClinVar aggregate classification (germline): Pathogenic (1 of 4 stars; one submission).

Conditions:
Maple syrup urine disease type 1B (MSUD1B). Also called: MSUD type IB; MSUD type 3 (formerly); MSUD due to deficiency of e1-beta subunit of branched-chain alpha-keto acid dehydrogenase complex. Identifiers: MedGen C2930990, MONDO:0023692, OMIM 620698.

Submission:

Myriad Genetics, Inc.
Classification: Pathogenic for Maple syrup urine disease type 1B. Last evaluated: 2023-10-15. Review status: criteria provided, single submitter. Criteria: Myriad Autosomal Dominant, Autosomal Recessive and X-Linked Classification Criteria (2023). Collection method: clinical testing. Allele origin: unknown.
Comment: NM_183050.2(BCKDHB):c.686_687delTA(I229Rfs*3) is expected to be pathogenic in the context of maple syrup urine disease type Ib. This variant is predicted to lead to an abnormal or absent protein product due to the creation of a premature termination codon in BCKDHB, a gene where loss-of-function variants are known to be pathogenic. Please note: this variant was assessed in the context of healthy population screening.

NM_183050.4(BCKDHB):c.686_687del (p.Ile229fs)

Gene: BCKDHB (branched chain keto acid dehydrogenase E1 subunit beta; plus strand). Cytogenetic location: 6q14.1.
Variant type: Deletion.
Coding change: c.686_687del on transcript NM_183050.4 (MANE Select); coding-DNA positions 686 to 687, 2 bases deleted (TA; older notation c.686_687delTA).
Protein change: p.Ile229fs; shifts the reading frame from isoleucine 229.
Molecular consequence: frameshift variant. On other transcripts: non-coding transcript variant (4).
Genome position (GRCh38, 1-based): chr6:80,171,334-80,171,335, TA deleted; deleting any 2 consecutive bases within chr6:80,171,333-80,171,335 gives the same sequence; the c. name uses the placement nearest the transcript's 3' end. VCF-style (leftmost placement, unchanged base first): chr6-80171332-CAT-C. GRCh37 (hg19) VCF-style: chr6-80881049-CAT-C.
Other names: c.686_687del, p.Ile229fs (NM_000056.5, NM_001424035.1, NM_001424036.1 and 7 more transcripts); c.476_477del, p.Ile159fs (NM_001318975.1, NM_001424043.1); short protein forms I159fs, I229fs.
Identifiers: ClinVar variation 5012397 (VCV005012397.1).